The following is an entry in ClinVar:

NM_003640.5(ELP1):c.3700+5A>G

Gene: ELP1 (elongator acetyltransferase complex subunit 1; minus strand). Cytogenetic location: 9q31.3.
Variant type: single nucleotide variant.
Coding change: c.3700+5A>G on transcript NM_003640.5 (MANE Select); 5 bases into the intron after coding-DNA position 3700, A replaced by G.
Molecular consequence: intron variant.
Genome position (GRCh38, 1-based): chr9:108,878,618, T>C on the plus strand (A>G on the coding strand, the complement: ELP1 is on the minus strand). VCF-style: chr9-108878618-T-C. GRCh37 (hg19) VCF-style: chr9-111640898-T-C.
Other names: c.3358+5A>G (NM_001318360.2); c.2653+5A>G (NM_001330749.2).
Identifiers: ClinVar variation 4705549 (VCV004705549.1).

ClinVar aggregate classification (germline): Uncertain significance (1 of 4 stars; one submission).

gnomAD v4.1: 43 of 1,614,226 alleles (0.0027%); highest among the groups gnomAD compares: Non-Finnish European, 0.0036%; no homozygotes.

Submission:

Labcorp Genetics (formerly Invitae), Labcorp
Classification: Uncertain significance. Last evaluated: 2025-12-03. Review status: criteria provided, single submitter. Criteria: Invitae Variant Classification Sherloc (09022015). Collection method: clinical testing. Allele origin: germline.
Comment: This sequence change falls in intron 34 of the ELP1 gene. It does not directly change the encoded amino acid sequence of the ELP1 protein. It affects a nucleotide within the consensus splice site. This variant is present in population databases (no rsID available, gnomAD 0.0009%). This variant has not been reported in the literature in individuals affected with ELP1-related conditions. Variants that disrupt the consensus splice site are a relatively common cause of aberrant splicing (PMID: 17576681, 9536098). Algorithms developed to predict the effect of sequence changes on RNA splicing suggest that this variant is not likely to affect RNA splicing. In summary, the available evidence is currently insufficient to determine the role of this variant in disease. Therefore, it has been classified as a Variant of Uncertain Significance.

Literature cited by the submitters: PubMed 17576681; PubMed 9536098.